The following is an entry in ClinVar:

ClinVar aggregate classification (germline): Uncertain significance (1 of 4 stars; one submission).

Allele frequency attached by ClinVar (database versions not stated): TOPMed below 0.00001; ExAC 0.00001; gnomAD 0.00001; gnomAD exomes 0.00002.
gnomAD v4.1: 31 of 1,613,642 alleles (0.0019%); highest among the groups gnomAD compares: Non-Finnish European, 0.0024%; no homozygotes.

Submission:

Labcorp Genetics (formerly Invitae), Labcorp
Classification: Uncertain significance. Last evaluated: 2025-12-23. Review status: criteria provided, single submitter. Criteria: Invitae Variant Classification Sherloc (09022015). Collection method: clinical testing. Allele origin: germline.
Comment: This sequence change replaces arginine, which is basic and polar, with histidine, which is basic and polar, at codon 493 of the MTMR14 protein (p.Arg493His). This variant is present in population databases (rs769804646, gnomAD 0.004%). This variant has not been reported in the literature in individuals affected with MTMR14-related conditions. ClinVar contains an entry for this variant (Variation ID: 1443261). An algorithm developed to predict the effect of missense changes on protein structure and function (PolyPhen-2) suggests that this variant is likely to be disruptive. In summary, the available evidence is currently insufficient to determine the role of this variant in disease. Therefore, it has been classified as a Variant of Uncertain Significance.

NM_001077525.3(MTMR14):c.1814G>A (p.Arg605His)

Gene: MTMR14 (myotubularin related protein 14; plus strand). Cytogenetic location: 3p25.3.
Variant type: single nucleotide variant.
Coding change: c.1814G>A on transcript NM_001077525.3 (MANE Select); coding-DNA position 1814, G replaced by A.
Protein change: p.Arg605His; replaces arginine 605 with histidine.
Molecular consequence: missense variant.
Genome position (GRCh38, 1-based): chr3:9,701,834, G>A. VCF-style: chr3-9701834-G-A. GRCh37 (hg19) VCF-style: chr3-9743518-G-A.
Other names: c.1658G>A, p.Arg553His (NM_001077526.3); c.1478G>A, p.Arg493His (NM_022485.5); short protein forms R553H, R493H, R605H.
Identifiers: ClinVar variation 1443261 (VCV001443261.8), dbSNP rs769804646, ClinGen allele CA2240890.